The following is an entry in ClinVar:

ClinVar aggregate classification (germline): Likely benign (0 of 4 stars; one submission).

Conditions:
WDFY4-related disorder. Also called: WDFY4-related condition.

Allele frequency attached by ClinVar (database versions not stated): gnomAD 0.00006; gnomAD exomes 0.00008; ExAC 0.00009; TOPMed 0.00011; 1000 Genomes Project 0.00020; ESP Exome Variant Server 0.00022; 1000 Genomes Project 30x 0.00047.

Submission:

PreventionGenetics, part of Exact Sciences
Classification: Likely benign for WDFY4-related condition. Last evaluated: 2022-03-15. Review status: no assertion criteria provided. Collection method: clinical testing. Allele origin: germline.
Comment: This variant is classified as likely benign based on ACMG/AMP sequence variant interpretation guidelines (Richards et al. 2015 PMID: 25741868, with internal and published modifications).

NM_001394531.1(WDFY4):c.827C>T (p.Thr276Met)

Gene: WDFY4 (WDFY family member 4; plus strand). Cytogenetic location: 10q11.23.
Variant type: single nucleotide variant.
Coding change: c.827C>T on transcript NM_001394531.1 (MANE Select); coding-DNA position 827, C replaced by T.
Protein change: p.Thr276Met; replaces threonine 276 with methionine.
Molecular consequence: missense variant.
Genome position (GRCh38, 1-based): chr10:48,727,515, C>T. VCF-style: chr10-48727515-C-T. GRCh37 (hg19) VCF-style: chr10-49935560-C-T.
Other names: c.827C>T, p.Thr276Met (NM_001370153.1, NM_001370154.1, NM_020945.2); short protein forms T276M.
Identifiers: ClinVar variation 3045353 (VCV003045353.2), dbSNP rs139225815, ClinGen allele CA5491858.